The following is an entry in ClinVar:

ClinVar aggregate classification (germline): Uncertain significance (1 of 4 stars; one submission).

gnomAD v4.1: 1 of 1,291,358 alleles (0.000077%); highest among the groups gnomAD compares: Non-Finnish European, 0.000099%; no homozygotes.

Submission:

Labcorp Genetics (formerly Invitae), Labcorp
Classification: Uncertain significance. Last evaluated: 2022-08-15. Review status: criteria provided, single submitter. Criteria: Invitae Variant Classification Sherloc (09022015). Collection method: clinical testing. Allele origin: germline.
Comment: In summary, the available evidence is currently insufficient to determine the role of this variant in disease. Therefore, it has been classified as a Variant of Uncertain Significance. Algorithms developed to predict the effect of missense changes on protein structure and function (SIFT, PolyPhen-2, Align-GVGD) all suggest that this variant is likely to be tolerated. This variant has not been reported in the literature in individuals affected with COQ9-related conditions. This variant is not present in population databases (gnomAD no frequency). This sequence change replaces glutamine, which is neutral and polar, with glutamic acid, which is acidic and polar, at codon 19 of the COQ9 protein (p.Gln19Glu).

NM_020312.4(COQ9):c.55C>G (p.Gln19Glu)

Genes: COQ9 (coenzyme Q9; plus strand), LOC112469007 (Sharpr-MPRA regulatory region 5957; plus strand). Cytogenetic location: 16q21.
Variant type: single nucleotide variant.
Coding change: c.55C>G on transcript NM_020312.4 (MANE Select); coding-DNA position 55, C replaced by G.
Protein change: p.Gln19Glu; replaces glutamine 19 with glutamic acid.
Molecular consequence: missense variant.
Genome position (GRCh38, 1-based): chr16:57,447,560, C>G. VCF-style: chr16-57447560-C-G. GRCh37 (hg19) VCF-style: chr16-57481472-C-G.
Other names: short protein forms Q19E.
Identifiers: ClinVar variation 1939047 (VCV001939047.5), dbSNP rs1188985107, ClinGen allele CA396026439.